The following is an entry in ClinVar:

ClinVar aggregate classification (germline): Pathogenic. Review status: criteria provided, multiple submitters, no conflicts (2 of 4 stars). 3 submissions from 3 submitters: Pathogenic (2). 1 of the submissions does not count toward it. Last evaluated 2025-10-27.

Conditions:
Combined immunodeficiency due to DOCK8 deficiency (HIES2). Also called: HYPER-IgE RECURRENT INFECTION SYNDROME 2, AUTOSOMAL RECESSIVE; HIES autosomal recessive; DOCK8 Deficiency; HYPER-IgE SYNDROME 2, AUTOSOMAL RECESSIVE, WITH RECURRENT INFECTIONS; Hyper-IgE recurrent infection syndrome, autosomal recessive. Identifiers: Orphanet 217390, MedGen C4722305, MONDO:0009478, OMIM 243700.
Severe combined immunodeficiency disease. Also called: Severe Combined Immune Deficiency; Severe combined immunodeficiency. Identifiers: Orphanet 183660, MedGen C0085110, MeSH D016511, MONDO:0015974, HP:0004430. Inheritance: X-Linked or Autosomal recessive.

Submissions (3):

Labcorp Genetics (formerly Invitae), Labcorp
Classification: Pathogenic for Combined immunodeficiency due to DOCK8 deficiency. Last evaluated: 2025-10-27. Review status: criteria provided, single submitter. Criteria: Invitae Variant Classification Sherloc (09022015). Collection method: clinical testing. Allele origin: germline.
Comment: This sequence change replaces lysine, which is basic and polar, with arginine, which is basic and polar, at codon 473 of the DOCK8 protein (p.Lys473Arg). This variant is not present in population databases (gnomAD no frequency). This missense change has been observed in individual(s) with DOCK8 deficiency (PMID: 20004785; internal data). In at least one individual the data is consistent with being in trans (on the opposite chromosome) from a pathogenic variant. It has also been observed to segregate with disease in related individuals. ClinVar contains an entry for this variant (Variation ID: 949). Invitae Evidence Modeling of protein sequence and biophysical properties (such as structural, functional, and spatial information, amino acid conservation, physicochemical variation, residue mobility, and thermodynamic stability) indicates that this missense variant is not expected to disrupt DOCK8 protein function with a negative predictive value of 80%. Algorithms developed to predict the effect of sequence changes on RNA splicing suggest that this variant may disrupt the consensus splice site. For these reasons, this variant has been classified as Pathogenic.

Women's Health and Genetics/Laboratory Corporation of America, LabCorp
Classification: Pathogenic for Severe combined immunodeficiency disease. Last evaluated: 2025-09-23. Review status: criteria provided, single submitter. Criteria: LabCorp Variant Classification Summary - May 2015. Collection method: clinical testing. Allele origin: germline.
Comment: Variant summary: DOCK8 c.1418A>G (p.Lys473Arg) results in a conservative amino acid change in the encoded protein sequence. Algorithms developed to predict the effect of missense changes on protein structure and function are either unavailable or do not agree on the potential impact of this missense change. The variant was absent in 251286 control chromosomes. c.1418A>G has been observed in multiple individuals affected with (example: Engelhardt_2010). These data indicate that the variant is very likely to be associated with disease. The following publication has been ascertained in the context of this evaluation (PMID: 20004785). ClinVar contains an entry for this variant (Variation ID: 949). Based on the evidence outlined above, the variant was classified as pathogenic.

OMIM
Classification: Pathogenic for HYPER-IgE SYNDROME 2, AUTOSOMAL RECESSIVE, WITH RECURRENT INFECTIONS. Last evaluated: 2009-11-19. Review status: no assertion criteria provided. Collection method: literature only. Allele origin: germline. Not counted in ClinVar's aggregate classification.

Literature cited by the submitters: PubMed 20004785 (cited by Labcorp Genetics (formerly Invitae), Labcorp and Women's Health and Genetics/Laboratory Corporation of America, LabCorp); PubMed 19776401 (cited by OMIM).

NM_203447.4(DOCK8):c.1418A>G (p.Lys473Arg)

Gene: DOCK8 (dedicator of cytokinesis 8; plus strand). Cytogenetic location: 9p24.3.
Variant type: single nucleotide variant.
Coding change: c.1418A>G on transcript NM_203447.4 (MANE Select); coding-DNA position 1418, A replaced by G.
Protein change: p.Lys473Arg; replaces lysine 473 with arginine.
Molecular consequence: missense variant.
Genome position (GRCh38, 1-based): chr9:336,714, A>G. VCF-style: chr9-336714-A-G. GRCh37 (hg19) VCF-style: chr9-336714-A-G.
Other names: c.1214A>G, p.Lys405Arg (NM_001190458.2, NM_001193536.2); short protein forms K405R, K473R.
Identifiers: ClinVar variation 949 (VCV000000949.9), dbSNP rs112321280, ClinGen allele CA114673.